The following is an entry in ClinVar:

NM_004304.5(ALK):c.1070C>A (p.Pro357His)

Gene: ALK (ALK receptor tyrosine kinase; minus strand). Cytogenetic location: 2p23.2.
Variant type: single nucleotide variant.
Coding change: c.1070C>A on transcript NM_004304.5 (MANE Select); coding-DNA position 1070, C replaced by A.
Protein change: p.Pro357His; replaces proline 357 with histidine.
Molecular consequence: missense variant.
Genome position (GRCh38, 1-based): chr2:29,531,999, G>T on the plus strand (C>A on the coding strand, the complement: ALK is on the minus strand). VCF-style: chr2-29531999-G-T. GRCh37 (hg19) VCF-style: chr2-29754865-G-T.
Other names: short protein forms P357H.
Identifiers: ClinVar variation 4272591 (VCV004272591.1).

ClinVar aggregate classification (germline): Uncertain significance (1 of 4 stars; one submission).

Conditions:
Hereditary cancer-predisposing syndrome. Also called: Hereditary Cancer Syndrome; Hereditary neoplastic syndrome; Neoplastic Syndromes, Hereditary; Tumor predisposition. Identifiers: Orphanet 140162, MedGen C0027672, MeSH D009386, MONDO:0015356.

Submission:

Ambry Genetics
Classification: Uncertain significance for Hereditary cancer-predisposing syndrome. Last evaluated: 2025-07-19. Review status: criteria provided, single submitter. Criteria: Ambry Variant Classification Scheme 2023. Collection method: clinical testing. Allele origin: germline.
Comment: The p.P357H variant (also known as c.1070C>A), located in coding exon 4 of the ALK gene, results from a C to A substitution at nucleotide position 1070. The proline at codon 357 is replaced by histidine, an amino acid with similar properties. This amino acid position is conserved. In addition, this alteration is predicted to be tolerated by in silico analysis. Based on the available evidence, the clinical significance of this variant remains unclear.